The following is an entry in ClinVar:

ClinVar aggregate classification (germline): Benign (1 of 4 stars; one submission).

gnomAD v4.1: 260,337 of 1,065,138 alleles (24%); highest among the groups gnomAD compares: East Asian, 29%; 32,888 homozygotes.

Submission:

Unidad de Genómica Garrahan, Hospital de Pediatría Garrahan
Classification: Benign. Last evaluated: 2024-07-31. Review status: criteria provided, single submitter. Criteria: ACMG Guidelines, 2015. Collection method: clinical testing. Allele origin: germline. Affected: no. Observed: 26 variant alleles.
Comment: This variant is classified as Benign based on local population frequency. This variant was detected in 28% of patients studied in a panel designed for Epileptic and Developmental Encephalopathy, Progressive Myoclonus Epilepsy and Abnormal Movements and Neurodegeneration with brain iron accumulation. Number of patients: 26. Only high quality variants are reported.

NM_020822.3(KCNT1):c.3502+1496A>G

Gene: KCNT1 (potassium sodium-activated channel subfamily T member 1; plus strand). Cytogenetic location: 9q34.3.
Variant type: single nucleotide variant.
Coding change: c.3502+1496A>G on transcript NM_020822.3 (MANE Select); 1496 bases into the intron after coding-DNA position 3502, A replaced by G.
Molecular consequence: intron variant.
Genome position (GRCh38, 1-based): chr9:135,788,017, A>G. VCF-style: chr9-135788017-A-G. GRCh37 (hg19) VCF-style: chr9-138679863-A-G.
Other names: c.3368-83A>G (NM_001272003.2).
Identifiers: ClinVar variation 3256818 (VCV003256818.2).